The following is an entry in ClinVar:

NM_000222.3(KIT):c.246G>C (p.Trp82Cys)

Gene: KIT (KIT proto-oncogene, receptor tyrosine kinase; plus strand). Cytogenetic location: 4q12.
Variant type: single nucleotide variant.
Coding change: c.246G>C on transcript NM_000222.3 (MANE Select); coding-DNA position 246, G replaced by C.
Protein change: p.Trp82Cys; replaces tryptophan 82 with cysteine.
Molecular consequence: missense variant.
Genome position (GRCh38, 1-based): chr4:54,695,690, G>C. VCF-style: chr4-54695690-G-C. GRCh37 (hg19) VCF-style: chr4-55561856-G-C.
Other names: c.246G>C, p.Trp82Cys (NM_001093772.2, NM_001385284.1, NM_001385285.1 and 4 more transcripts); short protein forms W82C.
Identifiers: ClinVar variation 2767294 (VCV002767294.3), dbSNP rs2109662205, ClinGen allele CA356897158.

ClinVar aggregate classification (germline): Uncertain significance (1 of 4 stars; one submission).

Conditions:
Gastrointestinal stromal tumor. Also called: Gastrointestinal stromal tumor, somatic; Gastrointestinal stroma tumor. Identifiers: Orphanet 44890, MedGen C0238198, MeSH D046152, MONDO:0011719, OMIM 606764, HP:0100723.

Submission:

Labcorp Genetics (formerly Invitae), Labcorp
Classification: Uncertain significance for Gastrointestinal stromal tumor. Last evaluated: 2023-10-09. Review status: criteria provided, single submitter. Criteria: Invitae Variant Classification Sherloc (09022015). Collection method: clinical testing. Allele origin: germline.
Comment: This sequence change replaces tryptophan, which is neutral and slightly polar, with cysteine, which is neutral and slightly polar, at codon 82 of the KIT protein (p.Trp82Cys). This variant is not present in population databases (gnomAD no frequency). This variant has not been reported in the literature in individuals affected with KIT-related conditions. An algorithm developed to predict the effect of missense changes on protein structure and function (PolyPhen-2) suggests that this variant is likely to be disruptive. In summary, the available evidence is currently insufficient to determine the role of this variant in disease. Therefore, it has been classified as a Variant of Uncertain Significance.